The following is an entry in ClinVar:

ClinVar aggregate classification (germline): Uncertain significance (1 of 4 stars; one submission).

Conditions:
Familial intrahepatic cholestasis. Identifiers: Orphanet 284385, MedGen CN296401, MONDO:0017290.

Submission:

Genomenon, Inc
Classification: Uncertain significance for Familial intrahepatic cholestasis. Last evaluated: 2026-04-14. Review status: criteria provided, single submitter. Criteria: Genomenon Sequence Variant Interpretation Standards - Updated. Collection method: curation. Allele origin: germline. Affected: yes.
Comment: ABCB4 p.Ala899Gly (c.2696C>G) is a missense variant that changes the amino acid at residue 899 from Alanine to Glycine. This variant has been observed in at least one proband with an ABCB4-related disorder (PMID:37488596). It has been observed in trans with a pathogenic or likely pathogenic variant (PMID:37488596). It is absent or not present at a significant frequency in gnomAD. In silico models predict that this variant is possibly or probably damaging. In conclusion, we classify ABCB4 p.Ala899Gly (c.2696C>G) as a variant of uncertain significance.

Literature cited by the submitters: PubMed 37488596.

NM_000443.4(ABCB4):c.2696C>G (p.Ala899Gly)

Gene: ABCB4 (ATP binding cassette subfamily B member 4; minus strand). Cytogenetic location: 7q21.12.
Variant type: single nucleotide variant.
Coding change: c.2696C>G on transcript NM_000443.4 (MANE Select); coding-DNA position 2696, C replaced by G.
Protein change: p.Ala899Gly; replaces alanine 899 with glycine.
Molecular consequence: missense variant.
Genome position (GRCh38, 1-based): chr7:87,413,704, G>C on the plus strand (C>G on the coding strand, the complement: ABCB4 is on the minus strand). VCF-style: chr7-87413704-G-C. GRCh37 (hg19) VCF-style: chr7-87043020-G-C.
Other names: c.2696C>G, p.Ala899Gly (NM_018849.3, NM_018850.3); short protein forms A899G.
Identifiers: ClinVar variation 4846406 (VCV004846406.1).